The following is an entry in ClinVar:

NM_025132.4(WDR19):c.2646-9C>T

Gene: WDR19 (WD repeat domain 19; plus strand). Cytogenetic location: 4p14.
Variant type: single nucleotide variant.
Coding change: c.2646-9C>T on transcript NM_025132.4 (MANE Select); 9 bases into the intron before coding-DNA position 2646, C replaced by T.
Molecular consequence: intron variant.
Genome position (GRCh38, 1-based): chr4:39,245,360, C>T. VCF-style: chr4-39245360-C-T. GRCh37 (hg19) VCF-style: chr4-39246980-C-T.
Other names: c.2166-9C>T (NM_001317924.2).
Identifiers: ClinVar variation 2021318 (VCV002021318.4), dbSNP rs2475276270, ClinGen allele CA2580070972.

ClinVar aggregate classification (germline): Uncertain significance (1 of 4 stars; one submission).

Conditions:
Senior-Loken syndrome 8 (SLSN8). Identifiers: Orphanet 3156, MedGen C4225376, MONDO:0014579, OMIM 616307.
Asphyxiating thoracic dystrophy 5 (SRTD5). Also called: SHORT-RIB THORACIC DYSPLASIA 5 WITH OR WITHOUT POLYDACTYLY; SHORT-RIB THORACIC DYSPLASIA 5 WITHOUT POLYDACTYLY. Identifiers: Orphanet 474, MedGen C3280598, MONDO:0013717, OMIM 614376.

Submission:

Labcorp Genetics (formerly Invitae), Labcorp
Classification: Uncertain significance for Senior-Loken syndrome 8; Asphyxiating thoracic dystrophy 5. Last evaluated: 2022-11-01. Review status: criteria provided, single submitter. Criteria: Invitae Variant Classification Sherloc (09022015). Collection method: clinical testing. Allele origin: germline.
Comment: This sequence change falls in intron 23 of the WDR19 gene. It does not directly change the encoded amino acid sequence of the WDR19 protein. This variant has not been reported in the literature in individuals affected with WDR19-related conditions. This variant is not present in population databases (gnomAD no frequency). In summary, the available evidence is currently insufficient to determine the role of this variant in disease. Therefore, it has been classified as a Variant of Uncertain Significance. Algorithms developed to predict the effect of sequence changes on RNA splicing suggest that this variant may disrupt the consensus splice site.